The following is an entry in ClinVar:

NM_003072.5(SMARCA4):c.3288C>A (p.Asn1096Lys)

Gene: SMARCA4 (SWI/SNF related BAF chromatin remodeling complex subunit ATPase 4; plus strand). Cytogenetic location: 19p13.2.
Variant type: single nucleotide variant.
Coding change: c.3288C>A on transcript NM_003072.5 (MANE Select); coding-DNA position 3288, C replaced by A.
Protein change: p.Asn1096Lys; replaces asparagine 1096 with lysine.
Molecular consequence: missense variant. On other transcripts: non-coding transcript variant (1).
Genome position (GRCh38, 1-based): chr19:11,027,856, C>A. VCF-style: chr19-11027856-C-A. GRCh37 (hg19) VCF-style: chr19-11138532-C-A.
Other names: c.3288C>A, p.Asn1096Lys (NM_001128844.3, NM_001128845.2, NM_001128846.2 and 4 more transcripts); short protein forms N1096K.
Identifiers: ClinVar variation 823432 (VCV000823432.6), dbSNP rs760295801, ClinGen allele CA404061522.

ClinVar aggregate classification (germline): Uncertain significance. Review status: criteria provided, multiple submitters, no conflicts (2 of 4 stars). 2 submissions from 2 submitters: Uncertain significance (2). Last evaluated 2025-01-08.

Conditions:
Hereditary cancer-predisposing syndrome. Also called: Tumor predisposition; Hereditary Cancer Syndrome; Neoplastic Syndromes, Hereditary; Hereditary neoplastic syndrome. Identifiers: Orphanet 140162, MedGen C0027672, MeSH D009386, MONDO:0015356.
Rhabdoid tumor predisposition syndrome 2 (RTPS2). Identifiers: Orphanet 231108, Orphanet 69077, MedGen C2750074, MONDO:0013224, OMIM 613325.

Submissions (2):

Labcorp Genetics (formerly Invitae), Labcorp
Classification: Uncertain significance for Rhabdoid tumor predisposition syndrome 2. Last evaluated: 2025-01-08. Review status: criteria provided, single submitter. Criteria: Invitae Variant Classification Sherloc (09022015). Collection method: clinical testing. Allele origin: germline.
Comment: This sequence change replaces asparagine, which is neutral and polar, with lysine, which is basic and polar, at codon 1096 of the SMARCA4 protein (p.Asn1096Lys). This variant is not present in population databases (gnomAD no frequency). This variant has not been reported in the literature in individuals affected with SMARCA4-related conditions. ClinVar contains an entry for this variant (Variation ID: 823432). Invitae Evidence Modeling of protein sequence and biophysical properties (such as structural, functional, and spatial information, amino acid conservation, physicochemical variation, residue mobility, and thermodynamic stability) indicates that this missense variant is not expected to disrupt SMARCA4 protein function with a negative predictive value of 95%. In summary, the available evidence is currently insufficient to determine the role of this variant in disease. Therefore, it has been classified as a Variant of Uncertain Significance.

Ambry Genetics
Classification: Uncertain significance for Hereditary cancer-predisposing syndrome. Last evaluated: 2019-07-30. Review status: criteria provided, single submitter. Criteria: Ambry Variant Classification Scheme 2023. Collection method: clinical testing. Allele origin: germline.
Comment: The p.N1096K variant (also known as c.3288C>A), located in coding exon 23 of the SMARCA4 gene, results from a C to A substitution at nucleotide position 3288. The asparagine at codon 1096 is replaced by lysine, an amino acid with similar properties. This amino acid position is well conserved in available vertebrate species. In addition, this alteration is predicted to be tolerated by in silico analysis. Since supporting evidence is limited at this time, the clinical significance of this alteration remains unclear.